The following is an entry in ClinVar:

ClinVar aggregate classification (germline): Uncertain significance (1 of 4 stars; one submission).

Conditions:
Inborn genetic diseases. Identifiers: MedGen C0950123, MeSH D030342.

gnomAD v4.1: 1 of 1,567,388 alleles (0.000064%); highest among the groups gnomAD compares: Non-Finnish European, 0.000087%; no homozygotes.

Submission:

Ambry Genetics
Classification: Uncertain significance for Inborn genetic diseases. Last evaluated: 2019-11-22. Review status: criteria provided, single submitter. Criteria: Ambry Variant Classification Scheme 2023. Collection method: clinical testing. Allele origin: germline.
Comment: The p.E448Q variant (also known as c.1342G>C), located in coding exon 12 of the DST gene, results from a G to C substitution at nucleotide position 1342. The glutamic acid at codon 448 is replaced by glutamine, an amino acid with highly similar properties. In addition, the in silico prediction for this alteration is inconclusive. Since supporting evidence is limited at this time, the clinical significance of this alteration remains unclear.

NM_001374736.1(DST):c.1441G>C (p.Glu481Gln)

Gene: DST (dystonin; minus strand). Cytogenetic location: 6p12.1.
Variant type: single nucleotide variant.
Coding change: c.1441G>C on transcript NM_001374736.1 (MANE Select); coding-DNA position 1441, G replaced by C.
Protein change: p.Glu481Gln; replaces glutamic acid 481 with glutamine.
Molecular consequence: missense variant.
Genome position (GRCh38, 1-based): chr6:56,648,683, C>G on the plus strand (G>C on the coding strand, the complement: DST is on the minus strand). VCF-style: chr6-56648683-C-G. GRCh37 (hg19) VCF-style: chr6-56513481-C-G.
Other names: c.1342G>C, p.Glu448Gln (NM_001144769.5); c.928G>C, p.Glu310Gln (NM_001144770.2); c.1441G>C, p.Glu481Gln (NM_001374722.1); c.808G>C, p.Glu270Gln (NM_001374729.1, NM_001374730.1, NM_001386100.1 and 1 more transcripts); c.1468G>C, p.Glu490Gln (NM_001374734.1); short protein forms E310Q, E490Q, E270Q, E448Q, E481Q.
Identifiers: ClinVar variation 1770397 (VCV001770397.2), dbSNP rs1458665029, ClinGen allele CA364616587.